The following is an entry in ClinVar:

NM_001039213.4(CEACAM16):c.655G>A (p.Val219Met)

Genes: CEACAM16 (CEA cell adhesion molecule 16, tectorial membrane component; plus strand), CEACAM16-AS1 (CEACAM16, CEACAM19 and PVR antisense RNA 1; minus strand). Cytogenetic location: 19q13.32.
Variant type: single nucleotide variant.
Coding change: c.655G>A on transcript NM_001039213.4 (MANE Select); coding-DNA position 655, G replaced by A.
Protein change: p.Val219Met; replaces valine 219 with methionine.
Molecular consequence: missense variant.
Genome position (GRCh38, 1-based): chr19:44,704,290, G>A. VCF-style: chr19-44704290-G-A. GRCh37 (hg19) VCF-style: chr19-45207560-G-A.
Other names: short protein forms V219M.
Identifiers: ClinVar variation 515123 (VCV000515123.7), dbSNP rs369718143, ClinGen allele CA9503112.
Genomic context (GRCh38, chr19:44,704,290, plus strand): 5'-TATCAGTGTGAGGTGTGGAACCCGGTCAGTGTCAGCCGCAGCGAGCCCATCAACCTGACC[G>A]TGTACTGTGAGTCCTCCTGGCCCCACTGGAGATACCCAGTGTCCAAACCTCATGGATGGG-3'
Protein context (NP_001034302.2, residues 209-229): VSRSEPINLT[Val219Met]YFGPERVAIL

ClinVar aggregate classification (germline): Benign/Likely benign. Review status: criteria provided, multiple submitters, no conflicts (2 of 4 stars). 3 submissions from 3 submitters: Benign (1); Likely benign (2). Last evaluated 2025-01-25.

Conditions:
CEACAM16-related disorder. Also called: CEACAM16-related condition.

Allele frequency attached by ClinVar (database versions not stated): gnomAD exomes 0.00029; ExAC 0.00068; gnomAD 0.00003; TOPMed 0.00006; ESP Exome Variant Server 0.00009.
gnomAD v4.1: 152 of 1,505,758 alleles (0.01%); highest among the groups gnomAD compares: Middle Eastern, 0.017%; no homozygotes.

Submissions (3):

PreventionGenetics, part of Exact Sciences
Classification: Likely benign for CEACAM16-related condition. Last evaluated: 2025-01-25. Review status: criteria provided, single submitter. Criteria: ACMG Guidelines, 2015. Collection method: clinical testing. Allele origin: germline.
Comment: This variant is classified as likely benign based on ACMG/AMP sequence variant interpretation guidelines (Richards et al. 2015 PMID: 25741868, with internal and published modifications).

Labcorp Genetics (formerly Invitae), Labcorp
Classification: Benign. Last evaluated: 2024-10-01. Review status: criteria provided, single submitter. Criteria: Invitae Variant Classification Sherloc (09022015). Collection method: clinical testing. Allele origin: germline.

GeneDx
Classification: Likely benign. Last evaluated: 2020-12-15. Review status: criteria provided, single submitter. Criteria: GeneDx Variant Classification Process June 2021. Collection method: clinical testing. Allele origin: germline. Affected: yes.